The following is an entry in ClinVar:

NM_004826.4(ECEL1):c.459C>T (p.Ile153=)

Gene: ECEL1 (endothelin converting enzyme like 1; minus strand). Cytogenetic location: 2q37.1.
Variant type: single nucleotide variant.
Coding change: c.459C>T on transcript NM_004826.4 (MANE Select); coding-DNA position 459, C replaced by T.
Protein change: p.Ile153=; no amino-acid change (isoleucine 153 retained).
Molecular consequence: synonymous variant.
Genome position (GRCh38, 1-based): chr2:232,486,195, G>A on the plus strand (C>T on the coding strand, the complement: ECEL1 is on the minus strand). VCF-style: chr2-232486195-G-A. GRCh37 (hg19) VCF-style: chr2-233350905-G-A.
Other names: c.459C>T, p.Ile153= (NM_001290787.2).
Identifiers: ClinVar variation 727399 (VCV000727399.5), dbSNP rs767982707, ClinGen allele CA2167595.

ClinVar aggregate classification (germline): Likely benign. Review status: criteria provided, multiple submitters, no conflicts (2 of 4 stars). 3 submissions from 3 submitters: Likely benign (3). Last evaluated 2026-05-19.

Conditions:
ECEL1-related disorder. Also called: ECEL1-related condition.

Allele frequency attached by ClinVar (database versions not stated): gnomAD 0.00003; TOPMed 0.00003; ExAC 0.00009.
gnomAD v4.1: 62 of 1,596,286 alleles (0.0039%); highest among the groups gnomAD compares: Admixed American, 0.0085%; no homozygotes.

Submissions (3):

PreventionGenetics, part of Exact Sciences
Classification: Likely benign for ECEL1-related condition. Last evaluated: 2026-05-19. Review status: criteria provided, single submitter. Criteria: ACMG Guidelines, 2015. Collection method: clinical testing. Allele origin: germline.
Comment: This variant is classified as likely benign based on ACMG/AMP sequence variant interpretation guidelines (Richards et al. 2015 PMID: 25741868, with internal and published modifications).

Blueprint Genetics
Classification: Likely benign. Last evaluated: 2024-10-30. Review status: criteria provided, single submitter. Criteria: ACMG Guidelines, 2015. Collection method: clinical testing. Allele origin: germline.

Labcorp Genetics (formerly Invitae), Labcorp
Classification: Likely benign. Last evaluated: 2018-01-03. Review status: criteria provided, single submitter. Criteria: Invitae Variant Classification Sherloc (09022015). Collection method: clinical testing. Allele origin: germline.